The following is an entry in ClinVar:

ClinVar aggregate classification (germline): Uncertain significance (1 of 4 stars; one submission).

Allele frequency attached by ClinVar (database versions not stated): TOPMed below 0.00001.

Submission:

GeneDx
Classification: Uncertain significance. Last evaluated: 2017-08-29. Review status: criteria provided, single submitter. Criteria: GeneDx Variant Classification (06012015). Collection method: clinical testing. Allele origin: germline. Affected: yes.
Comment: The c.2071-9 C>G variant has not been published as a pathogenic variant, nor has it been reported as a benign variant to our knowledge. The c.2071-9 C>G variant is not observed in large population cohorts (Lek et al., 2016; 1000 Genomes Consortium et al., 2015; Exome Variant Server). Several in-silico slice prediction models predict that c.2071-9 C>G damages the natural splice acceptor site of intron 11 which may lead to abnormal gene splicing. However, in the absence of RNA/functional studies, the actual effect of this sequence change in this individual is unknown. Therefore, based on the currently available information, it is unclear whether this variant is a pathogenic variant or a rare benign variant.

NM_002693.3(POLG):c.2071-9C>G

Genes: POLG (DNA polymerase gamma, catalytic subunit; minus strand), POLGARF (POLG alternative reading frame; minus strand). Cytogenetic location: 15q26.1.
Variant type: single nucleotide variant.
Coding change: c.2071-9C>G on transcript NM_002693.3 (MANE Select); 9 bases into the intron before coding-DNA position 2071, C replaced by G.
Molecular consequence: intron variant.
Genome position (GRCh38, 1-based): chr15:89,323,910, G>C on the plus strand (C>G on the coding strand, the complement: POLG is on the minus strand). VCF-style: chr15-89323910-G-C. GRCh37 (hg19) VCF-style: chr15-89867141-G-C.
Other names: c.2071-9C>G (NM_001126131.2).
Identifiers: ClinVar variation 449714 (VCV000449714.2), dbSNP rs1555453133, ClinGen allele CA658658309.